The following is an entry in ClinVar:

NM_001165963.4(SCN1A):c.659_662del (p.Val220fs)

Gene: SCN1A (sodium voltage-gated channel alpha subunit 1; minus strand). Cytogenetic location: 2q24.3.
Variant type: Deletion.
Coding change: c.659_662del on transcript NM_001165963.4 (MANE Select); coding-DNA positions 659 to 662, 4 bases deleted (TTCT; older notation c.659_662delTTCT).
Protein change: p.Val220fs; shifts the reading frame from valine 220.
Molecular consequence: frameshift variant. On other transcripts: 5 prime UTR variant (1), non-coding transcript variant (1).
Genome position (GRCh38, 1-based): chr2:166,052,884-166,052,887, AGAA deleted on the plus strand (TTCT on the coding strand, the reverse complement: SCN1A is on the minus strand). VCF-style (leftmost placement, unchanged base first): chr2-166052883-GAGAA-G. GRCh37 (hg19) VCF-style: chr2-166909393-GAGAA-G.
Other names: c.659_662del, p.Val220fs (NM_001165964.3, NM_001202435.3, NM_001353948.2 and 10 more transcripts); c.-1767_-1764del (NM_001353961.2); short protein forms V220fs.
Identifiers: ClinVar variation 189878 (VCV000189878.1), dbSNP rs794726724, ClinGen allele CA303187.

ClinVar aggregate classification (germline): Pathogenic (1 of 4 stars; one submission).

Conditions:
Severe myoclonic epilepsy in infancy (DRVT). Also called: Epileptic encephalopathy, early infantile, 6 (Dravet syndrome); SEVERE MYOCLONIC EPILEPSY OF INFANCY; DEVELOPMENTAL AND EPILEPTIC ENCEPHALOPATHY 6A; Severe Myoclonic Epilepsy in Infancy (SMEI); Dravet syndrome. Identifiers: Orphanet 33069, MedGen C0751122, MONDO:0100135, OMIM 607208.

Submission:

Center for Bioinformatics, Peking University
Classification: Pathogenic for Dravet syndrome. Last evaluated: 2014-12-20. Review status: criteria provided, single submitter. Criteria: Xu et al. (Hum Mutat. 2015). Collection method: research. Allele origin: de novo. Affected: yes. Observed: 1 variant allele. Study: University Clinical Cooperation “985 Project” PKU-2014-1-1.
Comment: Dravet syndrome (DS) probands were recruited from the outpatient and inpatient child neurology units of Peking University First Hospital from 2005 till present. The study was approved by the Ethics Committee of Peking University First Hospital and the Institutional Review Board at Peking University. Participants or their parents provided written informed consent before enrollment. We collected a total of 267 mutations from 255 families with probands diagnosed with DS in China. All probands fulfilled the clinical diagnostic criteria.